The following is an entry in ClinVar:

ClinVar aggregate classification (germline): Uncertain significance (1 of 4 stars; one submission).

Conditions:
Combined immunodeficiency due to LRBA deficiency. Also called: Common variable immunodeficiency 8, with autoimmunity. Identifiers: Orphanet 445018, MedGen C3553512, MONDO:0013863, OMIM 614700.

Allele frequency attached by ClinVar (database versions not stated): gnomAD 0.00001 and 0.00002; gnomAD exomes 0.00001; TOPMed 0.00001; 1000 Genomes Project 30x 0.00016; 1000 Genomes Project 0.00020.
gnomAD v4.1: 19 of 1,613,914 alleles (0.0012%); highest among the groups gnomAD compares: East Asian, 0.018%; no homozygotes.

Submission:

Labcorp Genetics (formerly Invitae), Labcorp
Classification: Uncertain significance for Combined immunodeficiency due to LRBA deficiency. Last evaluated: 2020-12-04. Review status: criteria provided, single submitter. Criteria: Invitae Variant Classification Sherloc (09022015). Collection method: clinical testing. Allele origin: germline.
Comment: In summary, the available evidence is currently insufficient to determine the role of this variant in disease. Therefore, it has been classified as a Variant of Uncertain Significance. Algorithms developed to predict the effect of missense changes on protein structure and function output the following: SIFT: "Tolerated"; PolyPhen-2: "Benign"; Align-GVGD: "Class C0". The methionine amino acid residue is found in multiple mammalian species, suggesting that this missense change does not adversely affect protein function. These predictions have not been confirmed by published functional studies and their clinical significance is uncertain. This variant has not been reported in the literature in individuals with LRBA-related conditions. This variant is not present in population databases (ExAC no frequency). This sequence change replaces isoleucine with methionine at codon 1054 of the LRBA protein (p.Ile1054Met). The isoleucine residue is weakly conserved and there is a small physicochemical difference between isoleucine and methionine.

NM_001364905.1(LRBA):c.3162A>G (p.Ile1054Met)

Gene: LRBA (LPS responsive beige-like anchor protein; minus strand). Cytogenetic location: 4q31.3.
Variant type: single nucleotide variant.
Coding change: c.3162A>G on transcript NM_001364905.1 (MANE Select); coding-DNA position 3162, A replaced by G.
Protein change: p.Ile1054Met; replaces isoleucine 1054 with methionine.
Molecular consequence: missense variant.
Genome position (GRCh38, 1-based): chr4:150,852,548, T>C on the plus strand (A>G on the coding strand, the complement: LRBA is on the minus strand). VCF-style: chr4-150852548-T-C. GRCh37 (hg19) VCF-style: chr4-151773700-T-C.
Other names: c.3162A>G, p.Ile1054Met (NM_001199282.3, NM_001367550.1, NM_006726.5); short protein forms I1054M.
Identifiers: ClinVar variation 1444144 (VCV001444144.6), dbSNP rs200706145, ClinGen allele CA107814399.
Genomic context (GRCh38, chr4:150,852,548, plus strand): 5'-AGTCATTGAATCTTTGCCAGTTGTTATAAAAGAATTAGAGGAAATAGCCACAGCTTCTAT[T>C]ATGTCAGAAGATACTTCTAAATCATCTGCATTCCTTGTCTCATTTGTCAGTGTTTCTTCC-3'
Protein context (NP_001351834.1, residues 1044-1064): NADDLEVSSD[Ile1054Met]IEAVAISSNS